The following is an entry in ClinVar:

NM_025179.4(PLXNA2):c.2520C>A (p.Ser840Arg)

Gene: PLXNA2 (plexin A2; minus strand). Cytogenetic location: 1q32.2.
Variant type: single nucleotide variant.
Coding change: c.2520C>A on transcript NM_025179.4 (MANE Select); coding-DNA position 2520, C replaced by A.
Protein change: p.Ser840Arg; replaces serine 840 with arginine.
Molecular consequence: missense variant.
Genome position (GRCh38, 1-based): chr1:208,079,326, G>T on the plus strand (C>A on the coding strand, the complement: PLXNA2 is on the minus strand). VCF-style: chr1-208079326-G-T. GRCh37 (hg19) VCF-style: chr1-208252671-G-T.
Other names: short protein forms S840R.
Identifiers: ClinVar variation 1961948 (VCV001961948.5), dbSNP rs767911738, ClinGen allele CA344553609.
Genomic context (GRCh38, chr1:208,079,326, plus strand): 5'-GATTTGAGGGTTGGAGCACTTGACATTGTGGCTGGACCAGTCGAGCCAGGGGCTGGAAGG[G>T]CTGGTACAGTGCTGGTGGAGGGTGCACCTGCGCTCGCCGCTGCACCAGCCACACTCAAAC-3'
Protein context (NP_079455.3, residues 830-850): RRCTLHQHCT[Ser840Arg]PSSPWLDWSS

ClinVar aggregate classification (germline): Uncertain significance (1 of 4 stars; one submission).

Allele frequency attached by ClinVar (database versions not stated): gnomAD 0.00001.
gnomAD v4.1: 1 of 1,613,824 alleles (0.000062%); highest among the groups gnomAD compares: African/African-American, 0.0013%; no homozygotes.

Submission:

Labcorp Genetics (formerly Invitae), Labcorp
Classification: Uncertain significance. Last evaluated: 2024-04-15. Review status: criteria provided, single submitter. Criteria: Invitae Variant Classification Sherloc (09022015). Collection method: clinical testing. Allele origin: germline.
Comment: This sequence change replaces serine, which is neutral and polar, with arginine, which is basic and polar, at codon 840 of the PLXNA2 protein (p.Ser840Arg). This variant is not present in population databases (gnomAD no frequency). This variant has not been reported in the literature in individuals affected with PLXNA2-related conditions. ClinVar contains an entry for this variant (Variation ID: 1961948). Advanced modeling of protein sequence and biophysical properties (such as structural, functional, and spatial information, amino acid conservation, physicochemical variation, residue mobility, and thermodynamic stability) performed at Invitae indicates that this missense variant is not expected to disrupt PLXNA2 protein function with a negative predictive value of 80%. In summary, the available evidence is currently insufficient to determine the role of this variant in disease. Therefore, it has been classified as a Variant of Uncertain Significance.